The following is an entry in ClinVar:

ClinVar aggregate classification (germline): Uncertain significance (1 of 4 stars; one submission).

Allele frequency attached by ClinVar (database versions not stated): gnomAD 0.00001; gnomAD exomes 0.00001; TOPMed 0.00001.

Submission:

Labcorp Genetics (formerly Invitae), Labcorp
Classification: Uncertain significance. Last evaluated: 2023-10-13. Review status: criteria provided, single submitter. Criteria: Invitae Variant Classification Sherloc (09022015). Collection method: clinical testing. Allele origin: germline.
Comment: This sequence change replaces glycine, which is neutral and non-polar, with serine, which is neutral and polar, at codon 216 of the ZNF341 protein (p.Gly216Ser). This variant is present in population databases (rs757423896, gnomAD 0.0009%). This variant has not been reported in the literature in individuals affected with ZNF341-related conditions. ClinVar contains an entry for this variant (Variation ID: 2026038). Algorithms developed to predict the effect of missense changes on protein structure and function output the following: SIFT: "Not Available"; PolyPhen-2: "Benign"; Align-GVGD: "Not Available". The serine amino acid residue is found in multiple mammalian species, which suggests that this missense change does not adversely affect protein function. In summary, the available evidence is currently insufficient to determine the role of this variant in disease. Therefore, it has been classified as a Variant of Uncertain Significance.

NM_001282933.2(ZNF341):c.646G>A (p.Gly216Ser)

Gene: ZNF341 (zinc finger protein 341; plus strand). Cytogenetic location: 20q11.22.
Variant type: single nucleotide variant.
Coding change: c.646G>A on transcript NM_001282933.2 (MANE Select); coding-DNA position 646, G replaced by A.
Protein change: p.Gly216Ser; replaces glycine 216 with serine.
Molecular consequence: missense variant. On other transcripts: non-coding transcript variant (1).
Genome position (GRCh38, 1-based): chr20:33,753,328, G>A. VCF-style: chr20-33753328-G-A. GRCh37 (hg19) VCF-style: chr20-32341134-G-A.
Other names: c.376G>A, p.Gly126Ser (NM_001282935.2); c.646G>A, p.Gly216Ser (NM_032819.5); short protein forms G216S, G126S.
Identifiers: ClinVar variation 2026038 (VCV002026038.3), dbSNP rs757423896, ClinGen allele CA313336240.